The following is an entry in ClinVar:

ClinVar aggregate classification (germline): Uncertain significance (1 of 4 stars; one submission).

gnomAD v4.1: 1 of 1,613,110 alleles (0.000062%); no homozygotes.

Submission:

GeneDx
Classification: Uncertain significance. Last evaluated: 2024-12-17. Review status: criteria provided, single submitter. Criteria: GeneDx Variant Classification Process June 2021. Collection method: clinical testing. Allele origin: germline. Affected: yes.
Comment: Not observed at significant frequency in large population cohorts (gnomAD); Alters the last nucleotide of the exon in a gene for which loss of function is a known mechanism of disease, and both splice predictors and evolutionary conservation support a deleterious effect, although in the absence of functional evidence the actual effect of this sequence change is unknown; Has not been previously published as pathogenic or benign to our knowledge

NM_001012426.2(FOXP4):c.300G>A (p.Gln100=)

Gene: FOXP4 (forkhead box P4; plus strand). Cytogenetic location: 6p21.1.
Variant type: single nucleotide variant.
Coding change: c.300G>A on transcript NM_001012426.2 (MANE Select); coding-DNA position 300, G replaced by A.
Protein change: p.Gln100=; no amino-acid change (glutamine 100 retained).
Molecular consequence: synonymous variant. On other transcripts: intron variant (2).
Genome position (GRCh38, 1-based): chr6:41,578,081, G>A. VCF-style: chr6-41578081-G-A. GRCh37 (hg19) VCF-style: chr6-41545819-G-A.
Other names: c.300G>A, p.Gln100= (NM_001012427.2, NM_001405824.1, NM_138457.3); c.205-6688G>A (NM_001405825.1, NM_001405826.1).
Identifiers: ClinVar variation 3906664 (VCV003906664.1).